The following is an entry in ClinVar:

ClinVar aggregate classification (germline): Likely pathogenic (1 of 4 stars; one submission).

Conditions:
Congenital heart defects, multiple types, 4 (CHTD4). Identifiers: MedGen C4014310, MONDO:0014344, OMIM 615779.

Submission:

Molecular Genetics Department, Kulakov National Medical Research Center for Obstetrics, Gynecology and Perinatology
Classification: Likely pathogenic for Congenital heart defects, multiple types, 4. Review status: criteria provided, single submitter. Criteria: ACMG Guidelines, 2015. Collection method: clinical testing. Allele origin: germline. Affected: yes.
Comment: A previously undescribed nucleotide variant creates a frameshift p.Asn229ThrfsTer27 in the NR2F2 gene. Loss-of-function variants are reported in patients with Congenital heart defects, multiple types, 4, 615779. The variant is not present in population database (gnomAD no frequency). In summary, the currently available evidence indicates that the variant is pathogenic, but additional data are needed to prove that conclusively. Therefore, this variant has been classified as likely pathogenic.

NM_021005.4(NR2F2):c.684del (p.Asn229fs)

Gene: NR2F2 (nuclear receptor subfamily 2 group F member 2; plus strand). Cytogenetic location: 15q26.2.
Variant type: Deletion.
Coding change: c.684del on transcript NM_021005.4 (MANE Select); coding-DNA position 684, one base deleted (G; older notation c.684delG).
Protein change: p.Asn229fs; shifts the reading frame from asparagine 229.
Molecular consequence: frameshift variant.
Genome position (GRCh38, 1-based): chr15:96,334,317, G deleted; the last of 2 consecutive G bases (chr15:96,334,316-96,334,317); deleting either gives the same sequence. VCF-style (leftmost placement, unchanged base first): chr15-96334315-CG-C. GRCh37 (hg19) VCF-style: chr15-96877544-CG-C.
Other names: c.285del, p.Asn96fs (NM_001145155.2); c.225del, p.Asn76fs (NM_001145156.1, NM_001145157.2); short protein forms N229fs, N76fs, N96fs.
Identifiers: ClinVar variation 3062322 (VCV003062322.1), dbSNP rs2505774507, ClinGen allele CA2740096786.